The following is an entry in ClinVar:

NM_001384474.1(LOXHD1):c.1809+4A>G

Gene: LOXHD1 (lipoxygenase homology PLAT domains 1; minus strand). Cytogenetic location: 18q21.1.
Variant type: single nucleotide variant.
Coding change: c.1809+4A>G on transcript NM_001384474.1 (MANE Select); 4 bases into the intron after coding-DNA position 1809, A replaced by G.
Molecular consequence: intron variant.
Genome position (GRCh38, 1-based): chr18:46,579,626, T>C on the plus strand (A>G on the coding strand, the complement: LOXHD1 is on the minus strand). VCF-style: chr18-46579626-T-C. GRCh37 (hg19) VCF-style: chr18-44159589-T-C.
Other names: c.1809+4A>G (NM_144612.7).
Identifiers: ClinVar variation 5003407 (VCV005003407.1).

ClinVar aggregate classification (germline): Uncertain significance (1 of 4 stars; one submission).

Conditions:
Autosomal recessive nonsyndromic hearing loss 77. Identifiers: Orphanet 90636, MedGen C2746083, MONDO:0013119, OMIM 613079.

gnomAD v4.1: 1 of 1,551,702 alleles (0.000064%); highest among the groups gnomAD compares: East Asian, 0.0024%; no homozygotes.

Submission:

Myriad Genetics, Inc.
Classification: Uncertain significance for Autosomal recessive nonsyndromic hearing loss 77. Last evaluated: 2026-02-03. Review status: criteria provided, single submitter. Criteria: Myriad Autosomal Dominant, Autosomal Recessive and X-Linked Classification Criteria (2023). Collection method: clinical testing. Allele origin: unknown.
Comment: NM_144612.6(LOXHD1):c.1809+4A>G is an intronic variant classified as a variant of uncertain significance in the context of nonsyndromic hearing loss, LOXHD1-related. c.1809+4A>G has been observed in cases with relevant disease (PMID: 34599366, 35711932). Relevant functional assessments of this variant are not available in the literature. c.1809+4A>G has been observed in referenced population frequency databases. In summary, there is insufficient evidence to classify NM_144612.6(LOXHD1):c.1809+4A>G as pathogenic or benign. Please note: this variant was assessed in the context of healthy population screening.

Literature cited by the submitters: PubMed 34599366; PubMed 35711932.